The following is an entry in ClinVar:

ClinVar aggregate classification (germline): Uncertain significance. Review status: criteria provided, multiple submitters, no conflicts (2 of 4 stars). 3 submissions from 3 submitters: Uncertain significance (3). Last evaluated 2025-08-22.

Conditions:
Inborn genetic diseases. Identifiers: MedGen C0950123, MeSH D030342.
COG1 congenital disorder of glycosylation (CDG2G). Also called: CONGENITAL DISORDER OF GLYCOSYLATION, TYPE IIg; CDG IIg; CDGII/COG1 CEREBROCOSTOMANDIBULAR-LIKE SYNDROME. Identifiers: Orphanet 263508, MedGen C2931011, MONDO:0012637, OMIM 611209.

Allele frequency attached by ClinVar (database versions not stated): ExAC 0.00002; gnomAD exomes 0.00002; gnomAD 0.00005; TOPMed 0.00005.

Submissions (3):

Ambry Genetics
Classification: Uncertain significance for Inborn genetic diseases. Last evaluated: 2025-08-22. Review status: criteria provided, single submitter. Criteria: Ambry Variant Classification Scheme 2023. Collection method: clinical testing. Allele origin: germline.

Labcorp Genetics (formerly Invitae), Labcorp
Classification: Uncertain significance for COG1 congenital disorder of glycosylation. Last evaluated: 2021-12-16. Review status: criteria provided, single submitter. Criteria: Invitae Variant Classification Sherloc (09022015). Collection method: clinical testing. Allele origin: germline.
Comment: This sequence change replaces arginine, which is basic and polar, with proline, which is neutral and non-polar, at codon 55 of the COG1 protein (p.Arg55Pro). This variant is present in population databases (rs751859972, gnomAD 0.005%). This variant has not been reported in the literature in individuals affected with COG1-related conditions. Algorithms developed to predict the effect of missense changes on protein structure and function (SIFT, PolyPhen-2, Align-GVGD) all suggest that this variant is likely to be disruptive. In summary, the available evidence is currently insufficient to determine the role of this variant in disease. Therefore, it has been classified as a Variant of Uncertain Significance.

Revvity Omics, Revvity
Classification: Uncertain significance for COG1 congenital disorder of glycosylation. Last evaluated: 2019-04-30. Review status: criteria provided, single submitter. Criteria: ACMG Guidelines, 2015. Collection method: clinical testing. Allele origin: germline.

NM_018714.3(COG1):c.164G>C (p.Arg55Pro)

Genes: COG1 (component of oligomeric golgi complex 1; plus strand), LOC130061576 (ATAC-STARR-seq lymphoblastoid active region 12690; plus strand). Cytogenetic location: 17q25.1.
Variant type: single nucleotide variant.
Coding change: c.164G>C on transcript NM_018714.3 (MANE Select); coding-DNA position 164, G replaced by C.
Protein change: p.Arg55Pro; replaces arginine 55 with proline.
Molecular consequence: missense variant.
Genome position (GRCh38, 1-based): chr17:73,193,233, G>C. VCF-style: chr17-73193233-G-C. GRCh37 (hg19) VCF-style: chr17-71189372-G-C.
Other names: c.164G>C (NM_018714.2); short protein forms R55P.
Identifiers: ClinVar variation 1413879 (VCV001413879.6), dbSNP rs751859972, ClinGen allele CA8739896.